The following is an entry in ClinVar:

ClinVar aggregate classification (germline): Uncertain significance (1 of 4 stars; one submission).

Submission:

Women's Health and Genetics/Laboratory Corporation of America, LabCorp
Classification: Uncertain significance. Last evaluated: 2025-12-26. Review status: criteria provided, single submitter. Criteria: LabCorp Variant Classification Summary - May 2015. Collection method: clinical testing. Allele origin: germline.
Comment: Variant summary: ALPK3 c.168C>G (p.His56Gln) results in a non-conservative amino acid change in the encoded protein sequence. Algorithms developed to predict the effect of missense changes on protein structure and function are either unavailable or do not agree on the potential impact of this missense change. The variant was absent in 251476 control chromosomes. The available data on variant occurrences in the general population are insufficient to allow any conclusion about variant significance. To our knowledge, no occurrence of c.168C>G in individuals affected with ALPK3-related conditions and no experimental evidence demonstrating its impact on protein function have been reported. No submitters have cited clinical-significance assessments for this variant to ClinVar. Based on the evidence outlined above, the variant was classified as uncertain significance.

NM_020778.5(ALPK3):c.168C>G (p.His56Gln)

Gene: ALPK3 (alpha kinase 3; plus strand). Cytogenetic location: 15q25.3.
Variant type: single nucleotide variant.
Coding change: c.168C>G on transcript NM_020778.5 (MANE Select); coding-DNA position 168, C replaced by G.
Protein change: p.His56Gln; replaces histidine 56 with glutamine.
Molecular consequence: missense variant.
Genome position (GRCh38, 1-based): chr15:84,823,354, C>G. VCF-style: chr15-84823354-C-G. GRCh37 (hg19) VCF-style: chr15-85366585-C-G.
Other names: short protein forms H56Q.
Identifiers: ClinVar variation 4688773 (VCV004688773.1).